The following is an entry in ClinVar:

NM_004525.3(LRP2):c.9604A>G (p.Ile3202Val)

Gene: LRP2 (LDL receptor related protein 2; minus strand). Cytogenetic location: 2q31.1.
Variant type: single nucleotide variant.
Coding change: c.9604A>G on transcript NM_004525.3 (MANE Select); coding-DNA position 9604, A replaced by G.
Protein change: p.Ile3202Val; replaces isoleucine 3202 with valine.
Molecular consequence: missense variant.
Genome position (GRCh38, 1-based): chr2:169,185,744, T>C on the plus strand (A>G on the coding strand, the complement: LRP2 is on the minus strand). VCF-style: chr2-169185744-T-C. GRCh37 (hg19) VCF-style: chr2-170042254-T-C.
Other names: short protein forms I3202V.
Identifiers: ClinVar variation 1938387 (VCV001938387.3), dbSNP rs759081533, ClinGen allele CA1953543.

ClinVar aggregate classification (germline): Uncertain significance. Review status: criteria provided, multiple submitters, no conflicts (2 of 4 stars). 2 submissions from 2 submitters: Uncertain significance (2). Last evaluated 2024-03-28.

Conditions:
Donnai-Barrow syndrome. Also called: DBS/FOAR SYNDROME; FACIOOCULOACOUSTICORENAL SYNDROME. Identifiers: Orphanet 2143, MedGen C1857277, MONDO:0009104, OMIM 222448.

Allele frequency attached by ClinVar (database versions not stated): gnomAD exomes below 0.00001; ExAC 0.00002; gnomAD 0.00003; TOPMed 0.00003.

Submissions (2):

Fulgent Genetics
Classification: Uncertain significance for Donnai-Barrow syndrome. Last evaluated: 2024-03-28. Review status: criteria provided, single submitter. Criteria: ACMG Guidelines, 2015. Collection method: clinical testing. Allele origin: germline.

Labcorp Genetics (formerly Invitae), Labcorp
Classification: Uncertain significance. Last evaluated: 2022-09-27. Review status: criteria provided, single submitter. Criteria: Invitae Variant Classification Sherloc (09022015). Collection method: clinical testing. Allele origin: germline.
Comment: This sequence change replaces isoleucine, which is neutral and non-polar, with valine, which is neutral and non-polar, at codon 3202 of the LRP2 protein (p.Ile3202Val). This variant is present in population databases (rs759081533, gnomAD 0.01%). This variant has not been reported in the literature in individuals affected with LRP2-related conditions. Advanced modeling of protein sequence and biophysical properties (such as structural, functional, and spatial information, amino acid conservation, physicochemical variation, residue mobility, and thermodynamic stability) performed at Invitae indicates that this missense variant is not expected to disrupt LRP2 protein function. In summary, the available evidence is currently insufficient to determine the role of this variant in disease. Therefore, it has been classified as a Variant of Uncertain Significance.